The following is an entry in ClinVar:

ClinVar aggregate classification (germline): Uncertain significance (1 of 4 stars; one submission).

Conditions:
Growth delay due to insulin-like growth factor I resistance. Also called: IGF-I RESISTANCE; Somatomedin end-organ insensitivity to; Somatomedin-c resistance to; IGF-1 resistance; Insulin-Like Growth Factor I Resistance. Identifiers: Orphanet 73273, MedGen C1849157, MONDO:0010038, OMIM 270450.

Submission:

Baylor Genetics
Classification: Uncertain significance for Growth delay due to insulin-like growth factor I resistance. Last evaluated: 2018-09-19. Review status: criteria provided, single submitter. Criteria: ACMG Guidelines, 2015. Collection method: clinical testing. Allele origin: unknown. Affected: yes.
Comment: This variant was determined to be of uncertain significance according to ACMG Guidelines, 2015 [PMID:25741868].

NM_000875.5(IGF1R):c.3648G>C (p.Leu1216Phe)

Gene: IGF1R (insulin like growth factor 1 receptor; plus strand). Cytogenetic location: 15q26.3.
Variant type: single nucleotide variant.
Coding change: c.3648G>C on transcript NM_000875.5 (MANE Select); coding-DNA position 3648, G replaced by C.
Protein change: p.Leu1216Phe; replaces leucine 1216 with phenylalanine.
Molecular consequence: missense variant.
Genome position (GRCh38, 1-based): chr15:98,948,634, G>C. VCF-style: chr15-98948634-G-C. GRCh37 (hg19) VCF-style: chr15-99491863-G-C.
Other names: c.3645G>C, p.Leu1215Phe (NM_001291858.2); short protein forms L1215F, L1216F.
Identifiers: ClinVar variation 1032481 (VCV001032481.1), dbSNP rs984389991, ClinGen allele CA275328590.
Genomic context (GRCh38, chr15:98,948,634, plus strand): 5'-GTCCTTCGGGGTCGTCCTCTGGGAGATCGCCACACTGGCCGAGCAGCCCTACCAGGGCTT[G>C]TCCAACGAGCAAGTCCTTCGCTTCGTCATGGAGGGCGGCCTTCTGGACAAGCCAGACAAC-3'
Protein context (NP_000866.1, residues 1206-1226): ATLAEQPYQG[Leu1216Phe]SNEQVLRFVM